The following is an entry in ClinVar:

NM_153026.3(PRICKLE1):c.2192A>G (p.Tyr731Cys)

Gene: PRICKLE1 (prickle planar cell polarity protein 1; minus strand). Cytogenetic location: 12q12.
Variant type: single nucleotide variant.
Coding change: c.2192A>G on transcript NM_153026.3 (MANE Select); coding-DNA position 2192, A replaced by G.
Protein change: p.Tyr731Cys; replaces tyrosine 731 with cysteine.
Molecular consequence: missense variant.
Genome position (GRCh38, 1-based): chr12:42,460,113, T>C on the plus strand (A>G on the coding strand, the complement: PRICKLE1 is on the minus strand). VCF-style: chr12-42460113-T-C. GRCh37 (hg19) VCF-style: chr12-42853915-T-C.
Other names: c.2192A>G, p.Tyr731Cys (NM_001144881.2, NM_001144882.2, NM_001144883.2); short protein forms Y731C.
Identifiers: ClinVar variation 834928 (VCV000834928.10), dbSNP rs567656128, ClinGen allele CA6519639.

ClinVar aggregate classification (germline): Uncertain significance. Review status: criteria provided, multiple submitters, no conflicts (2 of 4 stars). 2 submissions from 2 submitters: Uncertain significance (2). Last evaluated 2024-09-24.

Conditions:
Epilepsy, progressive myoclonic, 1B. Also called: PME. Identifiers: Orphanet 308, MedGen C2676254, MONDO:0012904, OMIM 612437.

Allele frequency attached by ClinVar (database versions not stated): gnomAD exomes below 0.00001 and 0.00002; gnomAD 0.00001; TOPMed 0.00001; ExAC 0.00003; 1000 Genomes Project 30x 0.00016; 1000 Genomes Project 0.00020.
gnomAD v4.1: 9 of 1,614,154 alleles (0.00056%); highest among the groups gnomAD compares: South Asian, 0.0088%; no homozygotes.

Submissions (2):

Ambry Genetics
Classification: Uncertain significance. Last evaluated: 2024-09-24. Review status: criteria provided, single submitter. Criteria: Ambry Variant Classification Scheme 2023. Collection method: clinical testing. Allele origin: germline.

Labcorp Genetics (formerly Invitae), Labcorp
Classification: Uncertain significance for Epilepsy, progressive myoclonic, 1B. Last evaluated: 2022-06-04. Review status: criteria provided, single submitter. Criteria: Invitae Variant Classification Sherloc (09022015). Collection method: clinical testing. Allele origin: germline.
Comment: In summary, the available evidence is currently insufficient to determine the role of this variant in disease. Therefore, it has been classified as a Variant of Uncertain Significance. Algorithms developed to predict the effect of missense changes on protein structure and function output the following: SIFT: "Tolerated"; PolyPhen-2: "Benign"; Align-GVGD: "Class C0". The cysteine amino acid residue is found in multiple mammalian species, which suggests that this missense change does not adversely affect protein function. ClinVar contains an entry for this variant (Variation ID: 834928). This variant has not been reported in the literature in individuals affected with PRICKLE1-related conditions. This variant is present in population databases (rs567656128, gnomAD 0.02%). This sequence change replaces tyrosine, which is neutral and polar, with cysteine, which is neutral and slightly polar, at codon 731 of the PRICKLE1 protein (p.Tyr731Cys).